The following is an entry in ClinVar:

ClinVar aggregate classification (germline): Uncertain significance. Review status: criteria provided, multiple submitters, no conflicts (2 of 4 stars). 2 submissions from 2 submitters: Uncertain significance (2). Last evaluated 2024-01-02.

Conditions:
Alpha thalassemia-X-linked intellectual disability syndrome (ATRX). Also called: X-linked alpha-thalassemia-mental retardation syndrome; ALPHA-THALASSEMIA/IMPAIRED INTELLECTUAL DEVELOPMENT SYNDROME, X-LINKED; ALPHA-THALASSEMIA/MENTAL RETARDATION SYNDROME, X-LINKED; ATR, NONDELETION TYPE; ATR-X syndrome; Alpha thalassemia mental retardation syndrome, nondeletion type, X-linked. Identifiers: Orphanet 847, MedGen C1845055, MONDO:0010519, OMIM 301040.
Inborn genetic diseases. Identifiers: MedGen C0950123, MeSH D030342.

Submissions (2):

Ambry Genetics
Classification: Uncertain significance for Inborn genetic diseases. Last evaluated: 2024-01-02. Review status: criteria provided, single submitter. Criteria: Ambry Variant Classification Scheme 2023. Collection method: clinical testing. Allele origin: germline.

Labcorp Genetics (formerly Invitae), Labcorp
Classification: Uncertain significance for Alpha thalassemia-X-linked intellectual disability syndrome. Last evaluated: 2021-10-28. Review status: criteria provided, single submitter. Criteria: Invitae Variant Classification Sherloc (09022015). Collection method: clinical testing. Allele origin: germline.
Comment: In summary, the available evidence is currently insufficient to determine the role of this variant in disease. Therefore, it has been classified as a Variant of Uncertain Significance. Advanced modeling of protein sequence and biophysical properties (such as structural, functional, and spatial information, amino acid conservation, physicochemical variation, residue mobility, and thermodynamic stability) performed at Invitae indicates that this missense variant is not expected to disrupt ATRX protein function. This variant has not been reported in the literature in individuals affected with ATRX-related conditions. This variant is not present in population databases (gnomAD no frequency). This sequence change replaces aspartic acid, which is acidic and polar, with glycine, which is neutral and non-polar, at codon 1264 of the ATRX protein (p.Asp1264Gly).

NM_000489.6(ATRX):c.3791A>G (p.Asp1264Gly)

Gene: ATRX (ATRX chromatin remodeler; minus strand). Cytogenetic location: Xq21.1.
Variant type: single nucleotide variant.
Coding change: c.3791A>G on transcript NM_000489.6 (MANE Select); coding-DNA position 3791, A replaced by G.
Protein change: p.Asp1264Gly; replaces aspartic acid 1264 with glycine.
Molecular consequence: missense variant.
Genome position (GRCh38, 1-based): chrX:77,676,244, T>C on the plus strand (A>G on the coding strand, the complement: ATRX is on the minus strand). VCF-style: chrX-77676244-T-C. GRCh37 (hg19) VCF-style: chrX-76931739-T-C.
Other names: c.3677A>G, p.Asp1226Gly (NM_138270.5); c.3791A>G (NM_000489.3); short protein forms D1226G, D1264G.
Identifiers: ClinVar variation 1482621 (VCV001482621.7), dbSNP rs2148542963, ClinGen allele CA413702149.